The following is an entry in ClinVar:

NM_002230.4(JUP):c.565G>C (p.Val189Leu)

Gene: JUP (junction plakoglobin; minus strand). Cytogenetic location: 17q21.2.
Variant type: single nucleotide variant.
Coding change: c.565G>C on transcript NM_002230.4 (MANE Select); coding-DNA position 565, G replaced by C.
Protein change: p.Val189Leu; replaces valine 189 with leucine.
Molecular consequence: missense variant.
Genome position (GRCh38, 1-based): chr17:41,769,111, C>G on the plus strand (G>C on the coding strand, the complement: JUP is on the minus strand). VCF-style: chr17-41769111-C-G. GRCh37 (hg19) VCF-style: chr17-39925363-C-G.
Other names: c.565G>C, p.Val189Leu (NM_001352773.2, NM_001352774.2, NM_001352775.2 and 3 more transcripts); short protein forms V189L.
Identifiers: ClinVar variation 2949256 (VCV002949256.3), dbSNP rs2544181912, ClinGen allele CA399503206.

ClinVar aggregate classification (germline): Uncertain significance (1 of 4 stars; one submission).

Conditions:
Naxos disease (NXD). Also called: CARDIOMYOPATHY, ARRHYTHMOGENIC RIGHT VENTRICULAR, WITH SKIN, HAIR, AND NAIL ABNORMALITIES; KERATOSIS PALMOPLANTARIS WITH ARRHYTHMOGENIC CARDIOMYOPATHY; MAL DE NAXOS; PALMOPLANTAR KERATODERMA WITH ARRHYTHMOGENIC RIGHT VENTRICULAR CARDIOMYOPATHY AND WOOLLY HAIR; WOOLLY HAIR, PALMOPLANTAR KERATODERMA, AND CARDIAC ABNORMALITIES. Identifiers: Orphanet 34217, MedGen C1832600, MONDO:0011017, OMIM 601214.
Arrhythmogenic right ventricular dysplasia 12. Also called: ARRHYTHMOGENIC RIGHT VENTRICULAR DYSPLASIA, FAMILIAL, 12. Identifiers: MedGen C1969081, MONDO:0012684, OMIM 611528.

Submission:

Labcorp Genetics (formerly Invitae), Labcorp
Classification: Uncertain significance for Arrhythmogenic right ventricular dysplasia 12; Naxos disease. Last evaluated: 2023-06-24. Review status: criteria provided, single submitter. Criteria: Invitae Variant Classification Sherloc (09022015). Collection method: clinical testing. Allele origin: germline.
Comment: This sequence change replaces valine, which is neutral and non-polar, with leucine, which is neutral and non-polar, at codon 189 of the JUP protein (p.Val189Leu). This variant is not present in population databases (gnomAD no frequency). This variant has not been reported in the literature in individuals affected with JUP-related conditions. An algorithm developed to predict the effect of missense changes on protein structure and function (PolyPhen-2) suggests that this variant is likely to be tolerated. In summary, the available evidence is currently insufficient to determine the role of this variant in disease. Therefore, it has been classified as a Variant of Uncertain Significance.